The following is an entry in ClinVar:

NM_006623.4(PHGDH):c.1361G>A (p.Arg454Lys)

Gene: PHGDH (phosphoglycerate dehydrogenase; plus strand). Cytogenetic location: 1p12.
Variant type: single nucleotide variant.
Coding change: c.1361G>A on transcript NM_006623.4 (MANE Select); coding-DNA position 1361, G replaced by A.
Protein change: p.Arg454Lys; replaces arginine 454 with lysine.
Molecular consequence: missense variant.
Genome position (GRCh38, 1-based): chr1:119,742,958, G>A. VCF-style: chr1-119742958-G-A. GRCh37 (hg19) VCF-style: chr1-120285581-G-A.
Other names: short protein forms R454K.
Identifiers: ClinVar variation 1368694 (VCV001368694.8), dbSNP rs2101225331, ClinGen allele CA341853787.

ClinVar aggregate classification (germline): Uncertain significance (1 of 4 stars; one submission).

Conditions:
PHGDH deficiency. Identifiers: Orphanet 79351, MedGen C1866174, MONDO:0011152, OMIM 601815.

Submission:

Labcorp Genetics (formerly Invitae), Labcorp
Classification: Uncertain significance for PHGDH deficiency. Last evaluated: 2025-11-24. Review status: criteria provided, single submitter. Criteria: Invitae Variant Classification Sherloc (09022015). Collection method: clinical testing. Allele origin: germline.
Comment: This sequence change replaces arginine, which is basic and polar, with lysine, which is basic and polar, at codon 454 of the PHGDH protein (p.Arg454Lys). This variant is not present in population databases (gnomAD no frequency). This variant has not been reported in the literature in individuals affected with PHGDH-related conditions. ClinVar contains an entry for this variant (Variation ID: 1368694). An algorithm developed to predict the effect of missense changes on protein structure and function outputs the following: PolyPhen-2: "Benign". The lysine amino acid residue is found in multiple mammalian species, which suggests that this missense change does not adversely affect protein function. In summary, the available evidence is currently insufficient to determine the role of this variant in disease. Therefore, it has been classified as a Variant of Uncertain Significance.